The following is an entry in ClinVar:

ClinVar aggregate classification (germline): Uncertain significance (1 of 4 stars; one submission).

Conditions:
Walker-Warburg congenital muscular dystrophy. Also called: Muscular dystrophy-dystroglycanopathy, type A; Walker-Warburg syndrome. Identifiers: Orphanet 899, MedGen C0265221, MONDO:0000171.

Submission:

Labcorp Genetics (formerly Invitae), Labcorp
Classification: Uncertain significance for Walker-Warburg congenital muscular dystrophy. Last evaluated: 2021-10-15. Review status: criteria provided, single submitter. Criteria: Invitae Variant Classification Sherloc (09022015). Collection method: clinical testing. Allele origin: germline.
Comment: This sequence change replaces leucine with phenylalanine at codon 210 of the FKRP protein (p.Leu210Phe). The leucine residue is highly conserved and there is a small physicochemical difference between leucine and phenylalanine. This variant is not present in population databases (ExAC no frequency). This variant has not been reported in the literature in individuals affected with FKRP-related conditions. Algorithms developed to predict the effect of missense changes on protein structure and function are either unavailable or do not agree on the potential impact of this missense change (SIFT: "Deleterious"; PolyPhen-2: "Probably Damaging"; Align-GVGD: "Class C0"). In summary, the available evidence is currently insufficient to determine the role of this variant in disease. Therefore, it has been classified as a Variant of Uncertain Significance.

NM_024301.5(FKRP):c.628C>T (p.Leu210Phe)

Gene: FKRP (fukutin related protein; plus strand). Cytogenetic location: 19q13.32.
Variant type: single nucleotide variant.
Coding change: c.628C>T on transcript NM_024301.5 (MANE Select); coding-DNA position 628, C replaced by T.
Protein change: p.Leu210Phe; replaces leucine 210 with phenylalanine.
Molecular consequence: missense variant.
Genome position (GRCh38, 1-based): chr19:46,756,078, C>T. VCF-style: chr19-46756078-C-T. GRCh37 (hg19) VCF-style: chr19-47259335-C-T.
Other names: c.628C>T, p.Leu210Phe (NM_001039885.3); short protein forms L210F.
Identifiers: ClinVar variation 1422722 (VCV001422722.3), dbSNP rs778472624, ClinGen allele CA406495697.